The following is an entry in ClinVar:

ClinVar aggregate classification (germline): Uncertain significance (1 of 4 stars; one submission).

gnomAD v4.1: 2 of 1,613,038 alleles (0.00012%); highest among the groups gnomAD compares: East Asian, 0.0022%; no homozygotes.

Submission:

Labcorp Genetics (formerly Invitae), Labcorp
Classification: Uncertain significance. Last evaluated: 2023-09-15. Review status: criteria provided, single submitter. Criteria: Invitae Variant Classification Sherloc (09022015). Collection method: clinical testing. Allele origin: germline.
Comment: In summary, the available evidence is currently insufficient to determine the role of this variant in disease. Therefore, it has been classified as a Variant of Uncertain Significance. An algorithm developed to predict the effect of missense changes on protein structure and function (PolyPhen-2) suggests that this variant is likely to be disruptive. This variant has not been reported in the literature in individuals affected with TNNI3K-related conditions. This variant is not present in population databases (gnomAD no frequency). This sequence change replaces proline, which is neutral and non-polar, with leucine, which is neutral and non-polar, at codon 670 of the TNNI3K protein (p.Pro670Leu).

NM_015978.3(TNNI3K):c.2009C>T (p.Pro670Leu)

Genes: FPGT-TNNI3K (FPGT-TNNI3K readthrough; plus strand), TNNI3K (TNNI3 interacting kinase; plus strand). Cytogenetic location: 1p31.1.
Variant type: single nucleotide variant.
Coding change: c.2009C>T on transcript NM_015978.3 (MANE Select); coding-DNA position 2009, C replaced by T.
Protein change: p.Pro670Leu; replaces proline 670 with leucine.
Molecular consequence: missense variant.
Genome position (GRCh38, 1-based): chr1:74,439,620, C>T. VCF-style: chr1-74439620-C-T. GRCh37 (hg19) VCF-style: chr1-74905304-C-T.
Other names: c.2312C>T, p.Pro771Leu (NM_001112808.3, NM_001199327.2); short protein forms P670L, P771L.
Identifiers: ClinVar variation 2788601 (VCV002788601.3), dbSNP rs1409030164, ClinGen allele CA340790081.
Genomic context (GRCh38, chr1:74,439,620, plus strand): 5'-GCTATGCTCTGTGTCTGTGGGAAATTCTCACTGGCGAAATTCCATTCGCTCATCTCAAGC[C>T]AGGTAAGACACACTGCAATTGAAGTTTTCCTGTTTTACAGAGTTCACTGGATTTTTATAA-3'
Protein context (NP_057062.1, residues 660-680): TGEIPFAHLK[Pro670Leu]AAAAADMAYH